The following is an entry in ClinVar:

ClinVar aggregate classification (germline): Uncertain significance. Review status: criteria provided, multiple submitters, no conflicts (2 of 4 stars). 2 submissions from 2 submitters: Uncertain significance (2). Last evaluated 2024-10-23.

Conditions:
Inborn genetic diseases. Identifiers: MedGen C0950123, MeSH D030342.

Allele frequency attached by ClinVar (database versions not stated): TOPMed below 0.00001; gnomAD exomes 0.00001.
gnomAD v4.1: 10 of 1,605,646 alleles (0.00062%); highest among the groups gnomAD compares: Non-Finnish European, 0.00085%; no homozygotes.

Submissions (2):

Labcorp Genetics (formerly Invitae), Labcorp
Classification: Uncertain significance. Last evaluated: 2024-10-23. Review status: criteria provided, single submitter. Criteria: Invitae Variant Classification Sherloc (09022015). Collection method: clinical testing. Allele origin: germline.
Comment: This sequence change replaces isoleucine, which is neutral and non-polar, with threonine, which is neutral and polar, at codon 651 of the MPDZ protein (p.Ile651Thr). This variant is not present in population databases (gnomAD no frequency). This variant has not been reported in the literature in individuals affected with MPDZ-related conditions. ClinVar contains an entry for this variant (Variation ID: 1940544). An algorithm developed to predict the effect of missense changes on protein structure and function (PolyPhen-2) suggests that this variant is likely to be tolerated. In summary, the available evidence is currently insufficient to determine the role of this variant in disease. Therefore, it has been classified as a Variant of Uncertain Significance.

Ambry Genetics
Classification: Uncertain significance for Inborn genetic diseases. Last evaluated: 2023-09-21. Review status: criteria provided, single submitter. Criteria: Ambry Variant Classification Scheme 2023. Collection method: clinical testing. Allele origin: germline.

NM_001378778.1(MPDZ):c.1952T>C (p.Ile651Thr)

Gene: MPDZ (multiple PDZ domain crumbs cell polarity complex component; minus strand). Cytogenetic location: 9p23.
Variant type: single nucleotide variant.
Coding change: c.1952T>C on transcript NM_001378778.1 (MANE Select); coding-DNA position 1952, T replaced by C.
Protein change: p.Ile651Thr; replaces isoleucine 651 with threonine.
Molecular consequence: missense variant.
Genome position (GRCh38, 1-based): chr9:13,192,147, A>G on the plus strand (T>C on the coding strand, the complement: MPDZ is on the minus strand). VCF-style: chr9-13192147-A-G. GRCh37 (hg19) VCF-style: chr9-13192146-A-G.
Other names: c.1952T>C, p.Ile651Thr (NM_001375419.1, NM_001375420.1, NM_003829.5 and 14 more transcripts); c.1952T>C (NM_003829.3); short protein forms I651T.
Identifiers: ClinVar variation 1940544 (VCV001940544.6), dbSNP rs1955016547, ClinGen allele CA372939142.
Genomic context (GRCh38, chr9:13,192,147, plus strand): 5'-TCCATTATATATGTAGGTTAGCCTCATGTATGCAAATCTGATACCTTTTCTGTTAGCTCA[A>G]TATCACATAAGTCCAGGCTATCCAATTCTGATTGGGTGGTGGGTGGCACAGTTCGACGAC-3'
Protein context (NP_001365707.1, residues 641-661): SELDSLDLCD[Ile651Thr]ELTEKPHVDL